The following is an entry in ClinVar:

ClinVar aggregate classification (germline): not provided (0 of 4 stars; one submission).

Allele frequency attached by ClinVar (database versions not stated): gnomAD exomes 0.00002 and 0.00005; ExAC 0.00003; gnomAD 0.00003 and 0.00004; TOPMed 0.00003; ESP Exome Variant Server 0.00008.

Submission:

ITMI
No classification provided. Condition: AllHighlyPenetrant. Last evaluated: 2013-09-19. Review status: no classification provided. Collection method: reference population. Allele origin: germline.
Comment: Please see associated publication for description of ethnicities

Literature cited by the submitters: PubMed 24728327.

NM_170606.3(KMT2C):c.14107G>A (p.Val4703Ile)

Gene: KMT2C (lysine methyltransferase 2C; minus strand). Cytogenetic location: 7q36.1.
Variant type: single nucleotide variant.
Coding change: c.14107G>A on transcript NM_170606.3 (MANE Select); coding-DNA position 14107, G replaced by A.
Protein change: p.Val4703Ile; replaces valine 4703 with isoleucine.
Molecular consequence: missense variant.
Genome position (GRCh38, 1-based): chr7:152,145,220, C>T on the plus strand (G>A on the coding strand, the complement: KMT2C is on the minus strand). VCF-style: chr7-152145220-C-T. GRCh37 (hg19) VCF-style: chr7-151842305-C-T.
Other names: short protein forms V4703I.
Identifiers: ClinVar variation 134818 (VCV000134818.1), dbSNP rs369684496, ClinGen allele CA160805.
Genomic context (GRCh38, chr7:152,145,220, plus strand): 5'-CAAACCTCTTGACATGGGCACTCATTTTAGGTTCAGAACGGGCACAACCTGTGGGGTTAA[C>T]GGCAAGAGGAAGTTCCATGAGAGGATTTCGGCCGTATCGGAAGGTATAATTTTCACATGC-3'
Protein context (NP_733751.2, residues 4693-4713): RNPLMELPLA[Val4703Ile]NPTGCARSEP